The following is an entry in ClinVar:

NM_015338.6(ASXL1):c.1746_1751del (p.Trp583_Val584del)

Gene: ASXL1 (ASXL transcriptional regulator 1; plus strand). Cytogenetic location: 20q11.21.
Variant type: Deletion.
Coding change: c.1746_1751del on transcript NM_015338.6 (MANE Select); coding-DNA positions 1746 to 1751, 6 bases deleted (CTGGGT; older notation c.1746_1751delCTGGGT).
Protein change: p.Trp583_Val584del.
Molecular consequence: inframe indel (on NM_015338.5).
Genome position (GRCh38, 1-based): chr20:32,434,458-32,434,463, CTGGGT deleted. VCF-style (leftmost placement, unchanged base first): chr20-32434457-CCTGGGT-C. GRCh37 (hg19) VCF-style: chr20-31022260-CCTGGGT-C.
Other names: c.1563_1568del, p.Trp522_Val523del (NM_001363734.1); c.1746_1751delCTGGGT, p.Trp583_Val584del (NM_015338.5).
Identifiers: ClinVar variation 3391557 (VCV003391557.1).

ClinVar aggregate classification (germline): Uncertain significance (1 of 4 stars; one submission).

Submission:

GeneDx
Classification: Uncertain significance. Last evaluated: 2024-06-23. Review status: criteria provided, single submitter. Criteria: GeneDx Variant Classification Process June 2021. Collection method: clinical testing. Allele origin: germline. Affected: yes.
Comment: In-frame deletion of 2 amino acids in a non-repeat region; In silico analysis supports a deleterious effect on protein structure/function; Has not been previously published as pathogenic or benign to our knowledge